The following is an entry in ClinVar:

NM_001353345.2(SETD1B):c.1085del (p.Gly362fs)

Gene: SETD1B (SET domain containing 1B, histone lysine methyltransferase; plus strand). Cytogenetic location: 12q24.31.
Variant type: Deletion.
Coding change: c.1085del on transcript NM_001353345.2 (MANE Select); coding-DNA position 1085, one base deleted (G; older notation c.1085delG).
Protein change: p.Gly362fs; shifts the reading frame from glycine 362.
Molecular consequence: frameshift variant.
Genome position (GRCh38, 1-based): chr12:121,810,030, G deleted; the last of 5 consecutive G bases (chr12:121,810,026-121,810,030); deleting any one gives the same sequence. VCF-style (leftmost placement, unchanged base first): chr12-121810025-TG-T. GRCh37 (hg19) VCF-style: chr12-122247931-TG-T.
Other names: short protein forms G362fs.
Identifiers: ClinVar variation 1705692 (VCV001705692.1), dbSNP rs2500183969, ClinGen allele CA2580085914.

ClinVar aggregate classification (germline): Likely pathogenic (1 of 4 stars; one submission).

Conditions:
Intellectual developmental disorder with seizures and language delay (IDDSELD). Identifiers: MedGen C5436574, MONDO:0033559, OMIM 619000.

Submission:

3billion
Classification: Likely pathogenic for Intellectual developmental disorder with seizures and language delay. Last evaluated: 2022-09-01. Review status: criteria provided, single submitter. Criteria: ACMG Guidelines, 2015. Collection method: clinical testing. Allele origin: germline. Affected: yes. Observed: 1 heterozygote.
Comment: The variant is not observed in the gnomAD v2.1.1 dataset. Frameshift variant is predicted to result in a loss or disruption of normal protein function through nonsense-mediated decay (NMD) or protein truncation. Multiple pathogenic variants are reported downstream of the variant. Therefore, this variant is classified as Likely pathogenic according to the recommendation of ACMG/AMP guideline.